The following is an entry in ClinVar:

ClinVar aggregate classification (germline): Uncertain significance. Review status: criteria provided, multiple submitters, no conflicts (2 of 4 stars). 2 submissions from 2 submitters: Uncertain significance (2). Last evaluated 2020-06-16.

Conditions:
Hereditary cancer-predisposing syndrome. Also called: Neoplastic Syndromes, Hereditary; Tumor predisposition; Hereditary Cancer Syndrome; Hereditary neoplastic syndrome. Identifiers: Orphanet 140162, MedGen C0027672, MeSH D009386, MONDO:0015356.

Submissions (2):

Ambry Genetics
Classification: Uncertain significance for Hereditary cancer-predisposing syndrome. Last evaluated: 2020-06-16. Review status: criteria provided, single submitter. Criteria: Ambry Variant Classification Scheme 2023. Collection method: clinical testing. Allele origin: germline.
Comment: The p.R1279L variant (also known as c.3836G>T), located in coding exon 25 of the RAD50 gene, results from a G to T substitution at nucleotide position 3836. The arginine at codon 1279 is replaced by leucine, an amino acid with dissimilar properties. This amino acid position is highly conserved in available vertebrate species. In addition, this alteration is predicted to be deleterious by in silico analysis. Since supporting evidence is limited at this time, the clinical significance of this alteration remains unclear.

Labcorp Genetics (formerly Invitae), Labcorp
Classification: Uncertain significance for Hereditary cancer-predisposing syndrome. Last evaluated: 2017-11-16. Review status: criteria provided, single submitter. Criteria: Invitae Variant Classification Sherloc (09022015). Collection method: clinical testing. Allele origin: germline.
Comment: In summary, the available evidence is currently insufficient to determine the role of this variant in disease. Therefore, it has been classified as a Variant of Uncertain Significance. Algorithms developed to predict the effect of missense changes on protein structure and function do not agree on the potential impact of this missense change (SIFT: "Tolerated"; PolyPhen-2: "Probably Damaging"; Align-GVGD: "Class C0"). This variant has not been reported in the literature in individuals with RAD50-related disease. This variant is not present in population databases (ExAC no frequency). This sequence change replaces arginine with leucine at codon 1279 of the RAD50 protein (p.Arg1279Leu). The arginine residue is moderately conserved and there is a moderate physicochemical difference between arginine and leucine.

NM_005732.4(RAD50):c.3836G>T (p.Arg1279Leu)

Genes: RAD50 (RAD50 double strand break repair protein; plus strand), TH2LCRR (T helper type 2 locus control region associated RNA; minus strand). Cytogenetic location: 5q31.1.
Variant type: single nucleotide variant.
Coding change: c.3836G>T on transcript NM_005732.4 (MANE Select); coding-DNA position 3836, G replaced by T.
Protein change: p.Arg1279Leu; replaces arginine 1279 with leucine.
Molecular consequence: missense variant. On other transcripts: non-coding transcript variant (1).
Genome position (GRCh38, 1-based): chr5:132,642,261, G>T. VCF-style: chr5-132642261-G-T. GRCh37 (hg19) VCF-style: chr5-131977953-G-T.
Other names: short protein forms R1279L.
Identifiers: ClinVar variation 484680 (VCV000484680.13), dbSNP rs375710541, ClinGen allele CA360936782.